The following is an entry in ClinVar:

NM_001376.5(DYNC1H1):c.11579_11582del (p.Thr3860fs)

Gene: DYNC1H1 (dynein cytoplasmic 1 heavy chain 1; plus strand). Cytogenetic location: 14q32.31.
Variant type: Deletion.
Coding change: c.11579_11582del on transcript NM_001376.5 (MANE Select); coding-DNA positions 11579 to 11582, 4 bases deleted (CAAA; older notation c.11579_11582delCAAA).
Protein change: p.Thr3860fs; shifts the reading frame from threonine 3860.
Molecular consequence: frameshift variant.
Genome position (GRCh38, 1-based): chr14:102,039,530-102,039,533, CAAA deleted; deleting any 4 consecutive bases within chr14:102,039,528-102,039,533 gives the same sequence; the c. name uses the placement nearest the transcript's 3' end. VCF-style (leftmost placement, unchanged base first): chr14-102039527-TAACA-T. GRCh37 (hg19) VCF-style: chr14-102505864-TAACA-T.
Other names: short protein forms T3860fs.
Identifiers: ClinVar variation 1310306 (VCV001310306.2), dbSNP rs2152595186, ClinGen allele CA2573053857.

ClinVar aggregate classification (germline): Uncertain significance (1 of 4 stars; one submission).

Submission:

GeneDx
Classification: Uncertain significance. Last evaluated: 2019-11-25. Review status: criteria provided, single submitter. Criteria: GeneDx Variant Classification Process June 2021. Collection method: clinical testing. Allele origin: germline. Affected: yes.
Comment: Not observed in large population cohorts (Lek et al., 2016); Frameshift variant predicted to result in protein truncation or nonsense mediated decay in a gene for which loss-of-function is not a known mechanism of disease; Has not been previously published as pathogenic or benign to our knowledge